The following is an entry in ClinVar:

NM_001083926.2(ASRGL1):c.712A>G (p.Ile238Val)

Gene: ASRGL1 (asparaginase and isoaspartyl peptidase 1; plus strand). Cytogenetic location: 11q12.3.
Variant type: single nucleotide variant.
Coding change: c.712A>G on transcript NM_001083926.2 (MANE Select); coding-DNA position 712, A replaced by G.
Protein change: p.Ile238Val; replaces isoleucine 238 with valine.
Molecular consequence: missense variant.
Genome position (GRCh38, 1-based): chr11:62,391,623, A>G. VCF-style: chr11-62391623-A-G. GRCh37 (hg19) VCF-style: chr11-62159095-A-G.
Other names: c.712A>G, p.Ile238Val (NM_025080.4); short protein forms I238V.
Identifiers: ClinVar variation 967095 (VCV000967095.10), dbSNP rs145031754, ClinGen allele CA6043310.

ClinVar aggregate classification (germline): Conflicting classifications of pathogenicity. Review status: criteria provided, conflicting classifications (1 of 4 stars). 2 submissions from 2 submitters: Uncertain significance (1); Likely benign (1). Last evaluated 2025-12-08.

Allele frequency attached by ClinVar (database versions not stated): gnomAD exomes 0.00002 and 0.00011; ExAC 0.00003; gnomAD 0.00005; TOPMed 0.00006; ESP Exome Variant Server 0.00008.
gnomAD v4.1: 187 of 1,608,730 alleles (0.012%); highest among the groups gnomAD compares: Non-Finnish European, 0.014%; no homozygotes.

Submissions (2):

Labcorp Genetics (formerly Invitae), Labcorp
Classification: Uncertain significance. Last evaluated: 2025-12-08. Review status: criteria provided, single submitter. Criteria: Invitae Variant Classification Sherloc (09022015). Collection method: clinical testing. Allele origin: germline.
Comment: This sequence change replaces isoleucine, which is neutral and non-polar, with valine, which is neutral and non-polar, at codon 238 of the ASRGL1 protein (p.Ile238Val). This variant is present in population databases (rs145031754, gnomAD 0.007%). This variant has not been reported in the literature in individuals affected with ASRGL1-related conditions. ClinVar contains an entry for this variant (Variation ID: 967095). An algorithm developed to predict the effect of missense changes on protein structure and function outputs the following: PolyPhen-2: "Benign". The valine amino acid residue is found in multiple mammalian species, which suggests that this missense change does not adversely affect protein function. In summary, the available evidence is currently insufficient to determine the role of this variant in disease. Therefore, it has been classified as a Variant of Uncertain Significance.

Ambry Genetics
Classification: Likely benign. Last evaluated: 2022-11-17. Review status: criteria provided, single submitter. Criteria: Ambry Variant Classification Scheme 2023. Collection method: clinical testing. Allele origin: germline.